The following is an entry in ClinVar:

ClinVar aggregate classification (germline): Uncertain significance (1 of 4 stars; one submission).

Conditions:
Catecholaminergic polymorphic ventricular tachycardia 1. Also called: VENTRICULAR TACHYCARDIA, CATECHOLAMINERGIC POLYMORPHIC, 1, WITH OR WITHOUT ATRIAL DYSFUNCTION AND/OR DILATED CARDIOMYOPATHY; VENTRICULAR TACHYCARDIA, STRESS-INDUCED POLYMORPHIC 1; RYR2-Related Catecholaminergic Polymorphic Ventricular Tachycardia. Identifiers: Orphanet 3286, MedGen C1631597, MONDO:0011484, OMIM 604772.

Submission:

Labcorp Genetics (formerly Invitae), Labcorp
Classification: Uncertain significance for Catecholaminergic polymorphic ventricular tachycardia 1. Last evaluated: 2021-08-03. Review status: criteria provided, single submitter. Criteria: Invitae Variant Classification Sherloc (09022015). Collection method: clinical testing. Allele origin: germline.
Comment: In summary, the available evidence is currently insufficient to determine the role of this variant in disease. Therefore, it has been classified as a Variant of Uncertain Significance. Algorithms developed to predict the effect of missense changes on protein structure and function are either unavailable or do not agree on the potential impact of this missense change (SIFT: "Deleterious"; PolyPhen-2: "Probably Damaging"; Align-GVGD: "Class C0"). This variant has not been reported in the literature in individuals affected with TRDN-related conditions. This variant is not present in population databases (ExAC no frequency). This sequence change replaces histidine with arginine at codon 279 of the TRDN protein (p.His279Arg). The histidine residue is moderately conserved and there is a small physicochemical difference between histidine and arginine.

NM_006073.4(TRDN):c.836A>G (p.His279Arg)

Gene: TRDN (triadin; minus strand). Cytogenetic location: 6q22.31.
Variant type: single nucleotide variant.
Coding change: c.836A>G on transcript NM_006073.4 (MANE Select); coding-DNA position 836, A replaced by G.
Protein change: p.His279Arg; replaces histidine 279 with arginine.
Molecular consequence: missense variant. On other transcripts: intron variant (1).
Genome position (GRCh38, 1-based): chr6:123,497,210, T>C on the plus strand (A>G on the coding strand, the complement: TRDN is on the minus strand). VCF-style: chr6-123497210-T-C. GRCh37 (hg19) VCF-style: chr6-123818355-T-C.
Other names: c.836A>G, p.His279Arg (NM_001251987.2); c.793+6509A>G (NM_001256020.2); short protein forms H279R.
Identifiers: ClinVar variation 1485314 (VCV001485314.7), dbSNP rs1251196961, ClinGen allele CA365567272.
Genomic context (GRCh38, chr6:123,497,210, plus strand): 5'-AAAGACTATTAAAACAGACAAGTACAAGAATTGCTTGGAATACCTGGTTTTAAATCCCCA[T>C]GGACAAATATGTCAATCATATATCGACAGAATGCATACTGATCTGACAGAGTAGAAAGAA-3'
Protein context (NP_006064.2, residues 269-289): FCRYMIDIFV[His279Arg]GDLKPGQSPA